The following is an entry in ClinVar:

ClinVar aggregate classification (germline): Pathogenic. Review status: criteria provided, multiple submitters, no conflicts (2 of 4 stars). 2 submissions from 2 submitters: Pathogenic (2). Last evaluated 2024-08-17.

Conditions:
Charcot-Marie-Tooth disease type 2. Also called: Charcot-Marie-Tooth type 2. Identifiers: Orphanet 64746, MedGen C0270914, MONDO:0018993.

Submissions (2):

Labcorp Genetics (formerly Invitae), Labcorp
Classification: Pathogenic for Charcot-Marie-Tooth disease type 2. Last evaluated: 2024-08-17. Review status: criteria provided, single submitter. Criteria: Invitae Variant Classification Sherloc (09022015). Collection method: clinical testing. Allele origin: germline.
Comment: This sequence change creates a premature translational stop signal (p.Glu73*) in the LMNA gene. It is expected to result in an absent or disrupted protein product. Loss-of-function variants in LMNA are known to be pathogenic (PMID: 18585512, 18926329). This variant is not present in population databases (gnomAD no frequency). This variant has not been reported in the literature in individuals affected with LMNA-related conditions. ClinVar contains an entry for this variant (Variation ID: 942140). For these reasons, this variant has been classified as Pathogenic.

Revvity Omics, Revvity
Classification: Pathogenic. Last evaluated: 2019-08-28. Review status: criteria provided, single submitter. Criteria: ACMG Guidelines, 2015. Collection method: clinical testing. Allele origin: germline.

Literature cited by the submitters: PubMed 18585512 (cited by Labcorp Genetics (formerly Invitae), Labcorp); PubMed 18926329 (cited by Labcorp Genetics (formerly Invitae), Labcorp).

NM_170707.4(LMNA):c.217G>T (p.Glu73Ter)

Gene: LMNA (lamin A/C; plus strand). Cytogenetic location: 1q22.
Variant type: single nucleotide variant.
Coding change: c.217G>T on transcript NM_170707.4 (MANE Select); coding-DNA position 217, G replaced by T.
Protein change: p.Glu73Ter; replaces glutamic acid 73 with a stop codon.
Molecular consequence: nonsense.
Genome position (GRCh38, 1-based): chr1:156,115,135, G>T. VCF-style: chr1-156115135-G-T. GRCh37 (hg19) VCF-style: chr1-156084926-G-T.
Other names: c.217G>T, p.Glu73Ter (NM_001282625.2, NM_001282626.2, NM_005572.4 and 1 more transcripts); short protein forms E73*.
Identifiers: ClinVar variation 942140 (VCV000942140.11), dbSNP rs1649727816, ClinGen allele CA342808287.